The following is an entry in ClinVar:

NM_000165.5(GJA1):c.*119T>C

Gene: GJA1 (gap junction protein alpha 1; plus strand). Cytogenetic location: 6q22.31.
Variant type: single nucleotide variant.
Coding change: c.*119T>C on transcript NM_000165.5 (MANE Select); 119 bases downstream of the stop codon, T replaced by C.
Molecular consequence: 3 prime UTR variant.
Genome position (GRCh38, 1-based): chr6:121,448,115, T>C. VCF-style: chr6-121448115-T-C. GRCh37 (hg19) VCF-style: chr6-121769261-T-C.
Identifiers: ClinVar variation 355165 (VCV000355165.5), dbSNP rs72548742, ClinGen allele CA10625774.

ClinVar aggregate classification (germline): Conflicting classifications of pathogenicity. Review status: criteria provided, conflicting classifications (1 of 4 stars). 3 submissions from 1 submitter: Uncertain significance (1); Benign (2). Last evaluated 2018-01-13.

Conditions:
Oculodentodigital dysplasia (ODDD). Also called: ODD SYNDROME; Oculodentodigital syndrome. Identifiers: Orphanet 2710, MedGen C0812437, MONDO:0008111, OMIM 164200.
Hypoplastic left heart syndrome 1 (HLHS1). Identifiers: Orphanet 2248, MedGen C4551854, MONDO:0009433, OMIM 241550.
Syndactyly type 3 (SDTY3). Also called: RING AND LITTLE FINGER SYNDACTYLY; SYNDACTYLY OF FINGERS IV AND V. Identifiers: Orphanet 93404, MedGen C1861366, MONDO:0008514, OMIM 186100.

Allele frequency attached by ClinVar (database versions not stated): 1000 Genomes Project 0.00040; 1000 Genomes Project 30x 0.00047; gnomAD 0.00071 and 0.00073; TOPMed 0.00073; gnomAD exomes 0.00113.

Submissions (3):

Illumina Laboratory Services, Illumina
Classification: Benign for Syndactyly type 3. Last evaluated: 2018-01-13. Review status: criteria provided, single submitter. Criteria: ICSL Variant Classification Criteria 13 December 2019. Collection method: clinical testing. Allele origin: germline.
Comment: This variant was observed in the ICSL laboratory as part of a predisposition screen in an ostensibly healthy population. It had not been previously curated by ICSL or reported in the Human Gene Mutation Database (HGMD: prior to June 1st, 2018), and was therefore a candidate for classification through an automated scoring system. Utilizing variant allele frequency, disease prevalence and penetrance estimates, and inheritance mode, an automated score was calculated to assess if this variant is too frequent to cause the disease. Based on the score and internal cut-off values, a variant classified as benign is not then subjected to further curation. The score for this variant resulted in a classification of benign for this disease.

Illumina Laboratory Services, Illumina
Classification: Benign for Oculodentodigital dysplasia. Last evaluated: 2018-01-13. Review status: criteria provided, single submitter. Criteria: ICSL Variant Classification Criteria 13 December 2019. Collection method: clinical testing. Allele origin: germline.
Comment: the same text as in the submission from Illumina Laboratory Services, Illumina above.

Illumina Laboratory Services, Illumina
Classification: Uncertain significance for Hypoplastic left heart syndrome 1. Last evaluated: 2018-01-13. Review status: criteria provided, single submitter. Criteria: ICSL Variant Classification Criteria 13 December 2019. Collection method: clinical testing. Allele origin: germline.